The following is an entry in ClinVar:

ClinVar aggregate classification (germline): Pathogenic (1 of 4 stars; one submission).

Conditions:
Nemaline myopathy 2 (NEM2). Also called: Nemaline myopathy 2, autosomal recessive. Identifiers: MedGen C1850569, MONDO:0009725, OMIM 256030.

Submission:

Myriad Genetics, Inc.
Classification: Pathogenic for Nemaline myopathy 2. Last evaluated: 2024-02-03. Review status: criteria provided, single submitter. Criteria: Myriad Autosomal Dominant, Autosomal Recessive and X-Linked Classification Criteria (2023). Collection method: clinical testing. Allele origin: unknown.
Comment: NM_001271208.1(NEB):c.8629_8630delCT(L2877Afs*14) is expected to be pathogenic in the context of NEB-related nemaline myopathy. This variant is predicted to lead to an abnormal or absent protein product due to the creation of a premature termination codon in NEB, a gene where loss-of-function variants are known to be pathogenic. Please note: this variant was assessed in the context of healthy population screening.

NM_001164508.2(NEB):c.8629_8630del (p.Leu2877fs)

Gene: NEB (nebulin; minus strand). Cytogenetic location: 2q23.3.
Variant type: Deletion.
Coding change: c.8629_8630del on transcript NM_001164508.2 (MANE Select); coding-DNA positions 8629 to 8630, 2 bases deleted (CT; older notation c.8629_8630delCT).
Protein change: p.Leu2877fs; shifts the reading frame from leucine 2877.
Molecular consequence: frameshift variant.
Genome position (GRCh38, 1-based): chr2:151,640,410-151,640,411, AG deleted on the plus strand (CT on the coding strand, the reverse complement: NEB is on the minus strand). VCF-style (leftmost placement, unchanged base first): chr2-151640409-CAG-C. GRCh37 (hg19) VCF-style: chr2-152496923-CAG-C.
Other names: c.8629_8630del, p.Leu2877fs (NM_001164507.2, NM_001271208.2, NM_004543.5); short protein forms L2877fs.
Identifiers: ClinVar variation 5012705 (VCV005012705.1).